The following is an entry in ClinVar:

NM_057175.5(NAA15):c.2334del (p.Ser779fs)

Gene: NAA15 (N-alpha-acetyltransferase 15, NatA auxiliary subunit; plus strand). Cytogenetic location: 4q31.1.
Variant type: Deletion.
Coding change: c.2334del on transcript NM_057175.5 (MANE Select); coding-DNA position 2334, one base deleted (T; older notation c.2334delT).
Protein change: p.Ser779fs; shifts the reading frame from serine 779.
Molecular consequence: frameshift variant.
Genome position (GRCh38, 1-based): chr4:139,386,164, T deleted. VCF-style (leftmost placement, unchanged base first): chr4-139386163-CT-C. GRCh37 (hg19) VCF-style: chr4-140307317-CT-C.
Other names: c.2331del, p.Ser778fs (NM_001410842.1); c.*743delT (NM_025085.2); short protein forms S778fs, S779fs.
Identifiers: ClinVar variation 2636450 (VCV002636450.1), dbSNP rs2530484935, ClinGen allele CA2695198532.

ClinVar aggregate classification (germline): Likely pathogenic (1 of 4 stars; one submission).

Conditions:
NAA15-related disorder.

Submission:

PreventionGenetics, part of Exact Sciences
Classification: Likely pathogenic for NAA15-related condition. Last evaluated: 2022-09-02. Review status: criteria provided, single submitter. Criteria: ACMG Guidelines, 2015. Collection method: clinical testing. Allele origin: germline.
Comment: The NAA15 c.2334delT variant is predicted to result in a frameshift and premature protein termination (p.Ser779Valfs*6). To our knowledge, this variant has not been reported in the literature or in a large population database, indicating this variant is rare. Frameshift variants in NAA15 are expected to be pathogenic. This variant is interpreted as likely pathogenic.